The following is an entry in ClinVar:

NM_207122.2(EXT2):c.856T>C (p.Cys286Arg)

Gene: EXT2 (exostosin glycosyltransferase 2; plus strand). Cytogenetic location: 11p11.2.
Variant type: single nucleotide variant.
Coding change: c.856T>C on transcript NM_207122.2 (MANE Select); coding-DNA position 856, T replaced by C.
Protein change: p.Cys286Arg; replaces cysteine 286 with arginine.
Molecular consequence: missense variant.
Genome position (GRCh38, 1-based): chr11:44,124,901, T>C. VCF-style: chr11-44124901-T-C. GRCh37 (hg19) VCF-style: chr11-44146451-T-C.
Other names: c.955T>C, p.Cys319Arg (NM_000401.3); c.856T>C, p.Cys286Arg (NM_001178083.3, NM_001389628.1, NM_001389630.1); short protein forms C319R, C286R.
Identifiers: ClinVar variation 2707853 (VCV002707853.3), dbSNP rs1203868965, ClinGen allele CA380167394.
Genomic context (GRCh38, chr11:44,124,901, plus strand): 5'-AGAGAGGACCTAGAAGCCCTCCAGGTCAAACATGGAGAGTCAGTGTTAGTACTCGATAAA[T>C]GCACCAACCTCTCAGAGGGTGTCCTTTCTGTCCGTAAGCGCTGCCACAAGCACCAGGTCT-3'
Protein context (NP_997005.1, residues 276-296): HGESVLVLDK[Cys286Arg]TNLSEGVLSV

ClinVar aggregate classification (germline): Uncertain significance (1 of 4 stars; one submission).

Conditions:
Exostoses, multiple, type 2 (EXT2). Also called: Hereditary Multiple Osteochondromatosis, Type II; EXOSTOSES, MULTIPLE, TYPE II. Identifiers: Orphanet 321, MedGen C1851413, MONDO:0007586, OMIM 133701.

gnomAD v4.1: 17 of 1,614,114 alleles (0.0011%); highest among the groups gnomAD compares: Non-Finnish European, 0.0014%; no homozygotes.

Submission:

Labcorp Genetics (formerly Invitae), Labcorp
Classification: Uncertain significance for Exostoses, multiple, type 2. Last evaluated: 2025-02-17. Review status: criteria provided, single submitter. Criteria: Invitae Variant Classification Sherloc (09022015). Collection method: clinical testing. Allele origin: germline.
Comment: This sequence change replaces cysteine, which is neutral and slightly polar, with arginine, which is basic and polar, at codon 286 of the EXT2 protein (p.Cys286Arg). This variant is present in population databases (no rsID available, gnomAD 0.0009%). This variant has not been reported in the literature in individuals affected with EXT2-related conditions. ClinVar contains an entry for this variant (Variation ID: 2707853). Invitae Evidence Modeling of protein sequence and biophysical properties (such as structural, functional, and spatial information, amino acid conservation, physicochemical variation, residue mobility, and thermodynamic stability) has been performed for this missense variant. However, the output from this modeling did not meet the statistical confidence thresholds required to predict the impact of this variant on EXT2 protein function. In summary, the available evidence is currently insufficient to determine the role of this variant in disease. Therefore, it has been classified as a Variant of Uncertain Significance.